The following is an entry in ClinVar:

NM_001939.3(DRP2):c.1339G>A (p.Val447Ile)

Gene: DRP2 (dystrophin related protein 2; plus strand). Cytogenetic location: Xq22.1.
Variant type: single nucleotide variant.
Coding change: c.1339G>A on transcript NM_001939.3 (MANE Select); coding-DNA position 1339, G replaced by A.
Protein change: p.Val447Ile; replaces valine 447 with isoleucine.
Molecular consequence: missense variant.
Genome position (GRCh38, 1-based): chrX:101,248,175, G>A. VCF-style: chrX-101248175-G-A. GRCh37 (hg19) VCF-style: chrX-100503164-G-A.
Other names: c.1105G>A, p.Val369Ile (NM_001171184.2); short protein forms V447I, V369I.
Identifiers: ClinVar variation 1479383 (VCV001479383.8), dbSNP rs139552335, ClinGen allele CA10472253.

ClinVar aggregate classification (germline): Uncertain significance (1 of 4 stars; one submission).

Allele frequency attached by ClinVar (database versions not stated): ExAC 0.00001; gnomAD exomes 0.00001; TOPMed 0.00006; gnomAD 0.00008 and 0.00015; ESP Exome Variant Server 0.00009.
gnomAD v4.1: 22 of 1,209,755 alleles (0.0018%); highest among the groups gnomAD compares: African/African-American, 0.037%; 1 homozygote.

Submission:

Labcorp Genetics (formerly Invitae), Labcorp
Classification: Uncertain significance. Last evaluated: 2024-10-29. Review status: criteria provided, single submitter. Criteria: Invitae Variant Classification Sherloc (09022015). Collection method: clinical testing. Allele origin: germline.
Comment: This sequence change replaces valine, which is neutral and non-polar, with isoleucine, which is neutral and non-polar, at codon 447 of the DRP2 protein (p.Val447Ile). This variant is present in population databases (rs139552335, gnomAD 0.02%). This variant has not been reported in the literature in individuals affected with DRP2-related conditions. ClinVar contains an entry for this variant (Variation ID: 1479383). An algorithm developed to predict the effect of missense changes on protein structure and function outputs the following: PolyPhen-2: "Benign". The isoleucine amino acid residue is found in multiple mammalian species, which suggests that this missense change does not adversely affect protein function. In summary, the available evidence is currently insufficient to determine the role of this variant in disease. Therefore, it has been classified as a Variant of Uncertain Significance.